The following is an entry in ClinVar:

ClinVar aggregate classification (germline): Uncertain significance. Review status: criteria provided, multiple submitters, no conflicts (2 of 4 stars). 2 submissions from 2 submitters: Uncertain significance (2). Last evaluated 2024-07-08.

Conditions:
Hereditary cancer-predisposing syndrome. Also called: Neoplastic Syndromes, Hereditary; Tumor predisposition; Hereditary Cancer Syndrome; Hereditary neoplastic syndrome. Identifiers: Orphanet 140162, MedGen C0027672, MeSH D009386, MONDO:0015356.
Hereditary breast ovarian cancer syndrome. Also called: Hereditary breast and/or ovarian cancer syndrome; Hereditary breast and ovarian cancer; Hereditary breast and ovarian cancer syndrome (HBOC); Hereditary breast and ovarian cancer syndrome; Breast and ovarian cancer; BRCA1- and BRCA2-Associated Hereditary Breast and Ovarian Cancer. Identifiers: Orphanet 145, MedGen C0677776, MeSH D061325, MONDO:0003582. Disease mechanism: loss of function.

Submissions (2):

Labcorp Genetics (formerly Invitae), Labcorp
Classification: Uncertain significance for Hereditary breast ovarian cancer syndrome. Last evaluated: 2024-07-08. Review status: criteria provided, single submitter. Criteria: Invitae Variant Classification Sherloc (09022015). Collection method: clinical testing. Allele origin: germline.
Comment: This sequence change replaces serine, which is neutral and polar, with tyrosine, which is neutral and polar, at codon 3368 of the BRCA2 protein (p.Ser3368Tyr). This variant is not present in population databases (gnomAD no frequency). This variant has not been reported in the literature in individuals affected with BRCA2-related conditions. ClinVar contains an entry for this variant (Variation ID: 1798975). Advanced modeling of protein sequence and biophysical properties (such as structural, functional, and spatial information, amino acid conservation, physicochemical variation, residue mobility, and thermodynamic stability) performed at Invitae indicates that this missense variant is not expected to disrupt BRCA2 protein function with a negative predictive value of 95%. In summary, the available evidence is currently insufficient to determine the role of this variant in disease. Therefore, it has been classified as a Variant of Uncertain Significance.

Ambry Genetics
Classification: Uncertain significance for Hereditary cancer-predisposing syndrome. Last evaluated: 2019-04-12. Review status: criteria provided, single submitter. Criteria: Ambry Variant Classification Scheme 2023. Collection method: clinical testing. Allele origin: germline.
Comment: The p.S3368Y variant (also known as c.10103C>A), located in coding exon 26 of the BRCA2 gene, results from a C to A substitution at nucleotide position 10103. The serine at codon 3368 is replaced by tyrosine, an amino acid with dissimilar properties. This amino acid position is not well conserved in available vertebrate species. In addition, this alteration is predicted to be tolerated by in silico analysis. Since supporting evidence is limited at this time, the clinical significance of this alteration remains unclear.

NM_000059.4(BRCA2):c.10103C>A (p.Ser3368Tyr)

Gene: BRCA2 (BRCA2 DNA repair associated; plus strand). Cytogenetic location: 13q13.1.
Variant type: single nucleotide variant.
Coding change: c.10103C>A on transcript NM_000059.4 (MANE Select); coding-DNA position 10103, C replaced by A.
Protein change: p.Ser3368Tyr; replaces serine 3368 with tyrosine.
Molecular consequence: missense variant.
Genome position (GRCh38, 1-based): chr13:32,398,616, C>A. VCF-style: chr13-32398616-C-A. GRCh37 (hg19) VCF-style: chr13-32972753-C-A.
Other names: c.10007C>A, p.Ser3336Tyr (NM_001406719.1); c.10052C>A, p.Ser3351Tyr (NM_001406720.1); c.5171C>A, p.Ser1724Tyr (NM_001406721.1); c.3686C>A, p.Ser1229Tyr (NM_001406722.1); short protein forms S1229Y, S3368Y, S3336Y, S1724Y, S3351Y.
Identifiers: ClinVar variation 1798975 (VCV001798975.4), dbSNP rs2137666631, ClinGen allele CA387768011.